The following is an entry in ClinVar:

NM_000257.4(MYH7):c.4079T>A (p.Val1360Asp)

Gene: MYH7 (myosin heavy chain 7; minus strand). Cytogenetic location: 14q11.2.
Variant type: single nucleotide variant.
Coding change: c.4079T>A on transcript NM_000257.4 (MANE Select); coding-DNA position 4079, T replaced by A.
Protein change: p.Val1360Asp; replaces valine 1360 with aspartic acid.
Molecular consequence: missense variant.
Genome position (GRCh38, 1-based): chr14:23,418,300, A>T on the plus strand (T>A on the coding strand, the complement: MYH7 is on the minus strand). VCF-style: chr14-23418300-A-T. GRCh37 (hg19) VCF-style: chr14-23887509-A-T.
Other names: short protein forms V1360D.
Identifiers: ClinVar variation 919055 (VCV000919055.8), dbSNP rs730880789, ClinGen allele CA389041002.
Genomic context (GRCh38, chr14:23,418,300, plus strand): 5'-ATGGCGTCCGTCTCATACTTGGTCCTCCACTGGGCCACCTCCGAGTTGGCCTTGGAAAGG[A>T]CGCGCTGCAGCTCGGCCTTGGCCTCCGTCTCCTCCTCGTACTGCTCCCGCAGCAGGTCGC-3'
Protein context (NP_000248.2, residues 1350-1370): ETEAKAELQR[Val1360Asp]LSKANSEVAQ

ClinVar aggregate classification (germline): Uncertain significance. Review status: criteria provided, multiple submitters, no conflicts (2 of 4 stars). 2 submissions from 2 submitters: Uncertain significance (2). Last evaluated 2025-09-16.

Conditions:
Hypertrophic cardiomyopathy. Also called: HYPERTROPHIC MYOCARDIOPATHY. Identifiers: Orphanet 217569, MedGen C0007194, MeSH D002312, MONDO:0005045, HP:0001639.
Cardiomyopathy (CMYO). Also called: Cardiomyopathies. Identifiers: Orphanet 167848, MedGen C0878544, MONDO:0004994, HP:0001638. Inheritance: Various modes of inheritance.

Submissions (2):

Labcorp Genetics (formerly Invitae), Labcorp
Classification: Uncertain significance for Hypertrophic cardiomyopathy. Last evaluated: 2025-09-16. Review status: criteria provided, single submitter. Criteria: Invitae Variant Classification Sherloc (09022015). Collection method: clinical testing. Allele origin: germline.
Comment: This sequence change replaces valine, which is neutral and non-polar, with aspartic acid, which is acidic and polar, at codon 1360 of the MYH7 protein (p.Val1360Asp). This variant is not present in population databases (gnomAD no frequency). This variant has not been reported in the literature in individuals affected with MYH7-related conditions. ClinVar contains an entry for this variant (Variation ID: 919055). Invitae Evidence Modeling of protein sequence and biophysical properties (such as structural, functional, and spatial information, amino acid conservation, physicochemical variation, residue mobility, and thermodynamic stability) indicates that this missense variant is not expected to disrupt MYH7 protein function with a negative predictive value of 95%. In summary, the available evidence is currently insufficient to determine the role of this variant in disease. Therefore, it has been classified as a Variant of Uncertain Significance.

Color Diagnostics, LLC DBA Color Health
Classification: Uncertain significance for Cardiomyopathy. Last evaluated: 2024-03-06. Review status: criteria provided, single submitter. Criteria: ACMG Guidelines, 2015. Collection method: clinical testing. Allele origin: germline.
Comment: This missense variant replaces valine with aspartic acid at codon 1360 of the MYH7 protein. Computational prediction tool suggests that this variant may not impact protein structure and function (internally defined REVEL score threshold <=0.5, PMID: 27666373). Splice site prediction tools suggest that this variant may not impact RNA splicing. To our knowledge, functional studies have not been performed for this variant. This variant has not been reported in individuals affected with cardiovascular disorders in the literature. This variant has not been identified in the general population by the Genome Aggregation Database (gnomAD). The available evidence is insufficient to determine the role of this variant in disease conclusively. Therefore, this variant is classified as a Variant of Uncertain Significance.